The following is an entry in ClinVar:

NM_000465.4(BARD1):c.1108C>A (p.Arg370Ser)

Gene: BARD1 (BRCA1 associated RING domain 1; minus strand). Cytogenetic location: 2q35.
Variant type: single nucleotide variant.
Coding change: c.1108C>A on transcript NM_000465.4 (MANE Select); coding-DNA position 1108, C replaced by A.
Protein change: p.Arg370Ser; replaces arginine 370 with serine.
Molecular consequence: missense variant. On other transcripts: non-coding transcript variant (2), intron variant (3).
Genome position (GRCh38, 1-based): chr2:214,780,766, G>T on the plus strand (C>A on the coding strand, the complement: BARD1 is on the minus strand). VCF-style: chr2-214780766-G-T. GRCh37 (hg19) VCF-style: chr2-215645490-G-T.
Other names: c.1051C>A, p.Arg351Ser (NM_001282543.2); c.159-28211C>A (NM_001282548.2); c.215+16295C>A (NM_001282545.2); c.364+11531C>A (NM_001282549.2); c.1108C>A (NM_000465.2); short protein forms R370S, R351S.
Identifiers: ClinVar variation 1448781 (VCV001448781.7), dbSNP rs587781596, ClinGen allele CA350454041.
Genomic context (GRCh38, chr2:214,780,766, plus strand): 5'-GACTAATGAATTCATCGGACATGTTACTGTTTTTCCTCCCTGATGTACCACCAACTTTAC[G>T]TTTGCATGAAGGTGGTGAAGAACATTCAGGCAATGGTATATTTTCTGAGGGCACCGTTTG-3'
Protein context (NP_000456.2, residues 360-380): PECSSPPSCK[Arg370Ser]KVGGTSGRKN

ClinVar aggregate classification (germline): Uncertain significance. Review status: criteria provided, multiple submitters, no conflicts (2 of 4 stars). 2 submissions from 2 submitters: Uncertain significance (2). Last evaluated 2026-08-26.

Conditions:
Hereditary cancer-predisposing syndrome. Also called: Hereditary Cancer Syndrome; Tumor predisposition; Neoplastic Syndromes, Hereditary; Hereditary neoplastic syndrome. Identifiers: Orphanet 140162, MedGen C0027672, MeSH D009386, MONDO:0015356.
Familial cancer of breast. Also called: Hereditary breast cancer; BREAST CANCER, FAMILIAL; hereditary breast carcinoma. Identifiers: Orphanet 227535, MedGen C0346153, MONDO:0016419, OMIM 114480. Disease mechanism: loss of function.

Submissions (2):

Ambry Genetics
Classification: Uncertain significance for Hereditary cancer-predisposing syndrome. Last evaluated: 2026-08-26. Review status: criteria provided, single submitter. Criteria: Ambry Variant Classification Scheme 2023. Collection method: clinical testing. Allele origin: germline.
Comment: The p.R370S variant (also known as c.1108C>A), located in coding exon 4 of the BARD1 gene, results from a C to A substitution at nucleotide position 1108. The arginine at codon 370 is replaced by serine, an amino acid with dissimilar properties. This amino acid position is conserved. In addition, this alteration is predicted to be tolerated by in silico analysis. Based on the available evidence, the clinical significance of this variant remains unclear.

Labcorp Genetics (formerly Invitae), Labcorp
Classification: Uncertain significance for Familial cancer of breast. Last evaluated: 2024-08-12. Review status: criteria provided, single submitter. Criteria: Invitae Variant Classification Sherloc (09022015). Collection method: clinical testing. Allele origin: germline.
Comment: This sequence change replaces arginine, which is basic and polar, with serine, which is neutral and polar, at codon 370 of the BARD1 protein (p.Arg370Ser). This variant is not present in population databases (gnomAD no frequency). This variant has not been reported in the literature in individuals affected with BARD1-related conditions. ClinVar contains an entry for this variant (Variation ID: 1448781). An algorithm developed to predict the effect of missense changes on protein structure and function outputs the following: PolyPhen-2: "Benign". The serine amino acid residue is found in multiple mammalian species, which suggests that this missense change does not adversely affect protein function. In summary, the available evidence is currently insufficient to determine the role of this variant in disease. Therefore, it has been classified as a Variant of Uncertain Significance.